The following is an entry in ClinVar:

NM_000059.4(BRCA2):c.5del (p.Pro2fs)

Gene: BRCA2 (BRCA2 DNA repair associated; plus strand). Cytogenetic location: 13q13.1.
Variant type: Deletion.
Coding change: c.5del on transcript NM_000059.4 (MANE Select); coding-DNA position 5, one base deleted (C; older notation c.5delC).
Protein change: p.Pro2fs; shifts the reading frame from proline 2.
Molecular consequence: frameshift variant.
Genome position (GRCh38, 1-based): chr13:32,316,465, C deleted; the last of 2 consecutive C bases (chr13:32,316,464-32,316,465); deleting either gives the same sequence. VCF-style (leftmost placement, unchanged base first): chr13-32316463-GC-G. GRCh37 (hg19) VCF-style: chr13-32890600-GC-G.
Other names: 233delC; c.5delC (NM_000059.3).
Identifiers: ClinVar variation 51985 (VCV000051985.7), dbSNP rs397507820, ClinGen allele CA023497.

ClinVar aggregate classification (germline): Pathogenic. Review status: reviewed by expert panel (3 of 4 stars). 2 submissions from 2 submitters: Pathogenic (1). 1 of the submissions does not count toward it. Last evaluated 2016-10-18.

Conditions:
Breast-ovarian cancer, familial, susceptibility to, 2 (BROVCA2). Also called: BRCA2 Hereditary Breast and Ovarian Cancer. Identifiers: Orphanet 145, MedGen C2675520, MONDO:0012933, OMIM 612555. Disease mechanism: loss of function.

Submissions (2):

Evidence-based Network for the Interpretation of Germline Mutant Alleles (ENIGMA)
Classification: Pathogenic for Breast-ovarian cancer, familial, susceptibility to, 2. Last evaluated: 2016-10-18. Review status: reviewed by expert panel. Criteria: ENIGMA BRCA1/2 Classification Criteria (2015). Collection method: curation. Allele origin: germline.
Comment: Variant allele predicted to encode a truncated non-functional protein.

Consortium of Investigators of Modifiers of BRCA1/2 (CIMBA), c/o University of Cambridge
Classification: Pathogenic for Breast-ovarian cancer, familial, susceptibility to, 2. Last evaluated: 2015-10-02. Review status: criteria provided, single submitter. Criteria: CIMBA Mutation Classification guidelines May 2016. Collection method: clinical testing. Allele origin: germline. Not counted in ClinVar's aggregate classification.